The following is an entry in ClinVar:

NM_000051.4(ATM):c.2539_2543del (p.Met847fs)

Gene: ATM (ATM serine/threonine kinase; plus strand). Cytogenetic location: 11q22.3.
Variant type: Deletion.
Coding change: c.2539_2543del on transcript NM_000051.4 (MANE Select); coding-DNA positions 2539 to 2543, 5 bases deleted (ATGGA; older notation c.2539_2543delATGGA).
Protein change: p.Met847fs; shifts the reading frame from methionine 847.
Molecular consequence: frameshift variant.
Genome position (GRCh38, 1-based): chr11:108,267,243-108,267,247, ATGGA deleted; deleting any 5 consecutive bases within chr11:108,267,242-108,267,247 gives the same sequence; the c. name uses the placement nearest the transcript's 3' end. VCF-style (leftmost placement, unchanged base first): chr11-108267241-TAATGG-T. GRCh37 (hg19) VCF-style: chr11-108137968-TAATGG-T.
Other names: c.2539_2543del, p.Met847fs (NM_001351834.2); short protein forms M847fs.
Identifiers: ClinVar variation 1792786 (VCV001792786.2), dbSNP rs2497593604, ClinGen allele CA2580082990.

ClinVar aggregate classification (germline): Pathogenic (1 of 4 stars; one submission).

Conditions:
Hereditary cancer-predisposing syndrome. Also called: Tumor predisposition; Hereditary Cancer Syndrome; Neoplastic Syndromes, Hereditary; Hereditary neoplastic syndrome. Identifiers: Orphanet 140162, MedGen C0027672, MeSH D009386, MONDO:0015356.

Submission:

Ambry Genetics
Classification: Pathogenic for Hereditary cancer-predisposing syndrome. Last evaluated: 2021-03-17. Review status: criteria provided, single submitter. Criteria: Ambry Variant Classification Scheme 2023. Collection method: clinical testing. Allele origin: germline.
Comment: The c.2539_2543delATGGA pathogenic mutation, located in coding exon 16 of the ATM gene, results from a deletion of 5 nucleotides at nucleotide positions 2539 to 2543, causing a translational frameshift with a predicted alternate stop codon (p.M847Gfs*11). This alteration is expected to result in loss of function by premature protein truncation or nonsense-mediated mRNA decay. As such, this alteration is interpreted as a disease-causing mutation.